The following is an entry in ClinVar:

ClinVar aggregate classification (germline): Uncertain significance. Review status: criteria provided, multiple submitters, no conflicts (2 of 4 stars). 3 submissions from 3 submitters: Uncertain significance (3). Last evaluated 2025-09-21.

Conditions:
Van Maldergem syndrome 1 (VMLDS1). Also called: Van Maldergem syndrome 1 (VMLDS1). Identifiers: Orphanet 314679, MedGen C4551950, MONDO:0011070, OMIM 601390.
Mitral valve prolapse, myxomatous 2. Also called: MMVP2; Mitral valve prolapse 2. Identifiers: MedGen C1843003, MONDO:0011915, OMIM 607829.
Inborn genetic diseases. Identifiers: MedGen C0950123, MeSH D030342.

Allele frequency attached by ClinVar (database versions not stated): gnomAD exomes below 0.00001 and 0.00001; gnomAD 0.00002 and 0.00003; TOPMed 0.00002.
gnomAD v4.1: 14 of 1,595,414 alleles (0.00088%); highest among the groups gnomAD compares: African/African-American, 0.0013%; no homozygotes.

Submissions (3):

Labcorp Genetics (formerly Invitae), Labcorp
Classification: Uncertain significance. Last evaluated: 2025-09-21. Review status: criteria provided, single submitter. Criteria: Invitae Variant Classification Sherloc (09022015). Collection method: clinical testing. Allele origin: germline.
Comment: This sequence change replaces alanine, which is neutral and non-polar, with proline, which is neutral and non-polar, at codon 2817 of the DCHS1 protein (p.Ala2817Pro). This variant is present in population databases (no rsID available, gnomAD 0.001%). This variant has not been reported in the literature in individuals affected with DCHS1-related conditions. ClinVar contains an entry for this variant (Variation ID: 1391575). Invitae Evidence Modeling of protein sequence and biophysical properties (such as structural, functional, and spatial information, amino acid conservation, physicochemical variation, residue mobility, and thermodynamic stability) indicates that this missense variant is not expected to disrupt DCHS1 protein function with a negative predictive value of 80%. In summary, the available evidence is currently insufficient to determine the role of this variant in disease. Therefore, it has been classified as a Variant of Uncertain Significance.

Ambry Genetics
Classification: Uncertain significance for Inborn genetic diseases. Last evaluated: 2025-04-03. Review status: criteria provided, single submitter. Criteria: Ambry Variant Classification Scheme 2023. Collection method: clinical testing. Allele origin: germline.

Fulgent Genetics
Classification: Uncertain significance for Van Maldergem syndrome 1; Mitral valve prolapse, myxomatous 2. Last evaluated: 2021-08-05. Review status: criteria provided, single submitter. Criteria: ACMG Guidelines, 2015. Collection method: clinical testing. Allele origin: unknown.

NM_003737.4(DCHS1):c.8449G>C (p.Ala2817Pro)

Gene: DCHS1 (dachsous cadherin-related 1; minus strand). Cytogenetic location: 11p15.4.
Variant type: single nucleotide variant.
Coding change: c.8449G>C on transcript NM_003737.4 (MANE Select); coding-DNA position 8449, G replaced by C.
Protein change: p.Ala2817Pro; replaces alanine 2817 with proline.
Molecular consequence: missense variant.
Genome position (GRCh38, 1-based): chr11:6,623,227, C>G on the plus strand (G>C on the coding strand, the complement: DCHS1 is on the minus strand). VCF-style: chr11-6623227-C-G. GRCh37 (hg19) VCF-style: chr11-6644458-C-G.
Other names: c.8449G>C (NM_003737.2); short protein forms A2817P.
Identifiers: ClinVar variation 1391575 (VCV001391575.10), dbSNP rs909978688, ClinGen allele CA217329685.